The following is an entry in ClinVar:

NM_001321967.2(ATAD1):c.1070_1071del (p.His357fs)

Gene: ATAD1 (ATPase family AAA domain containing 1; minus strand). Cytogenetic location: 10q23.31.
Variant type: Deletion.
Coding change: c.1070_1071del on transcript NM_001321967.2 (MANE Select); coding-DNA positions 1070 to 1071, 2 bases deleted (AT; older notation c.1070_1071delAT).
Protein change: p.His357fs; shifts the reading frame from histidine 357.
Molecular consequence: frameshift variant. On other transcripts: non-coding transcript variant (1).
Genome position (GRCh38, 1-based): chr10:87,754,702-87,754,703, AT deleted on the plus strand (AT on the coding strand, the reverse complement: ATAD1 is on the minus strand). VCF-style (leftmost placement, unchanged base first): chr10-87754701-CAT-C. GRCh37 (hg19) VCF-style: chr10-89514458-CAT-C.
Other names: c.1070_1071delAT (NM_032810.3); c.1070_1071del (NM_032810.3); c.980_981del, p.His327fs (NM_001321968.2); c.713_714del, p.His238fs (NM_001321969.2); c.1070_1071del, p.His357fs (NM_032810.4); short protein forms H238fs, H357fs, H327fs.
Identifiers: ClinVar variation 545496 (VCV000545496.11), dbSNP rs751499706, ClinGen allele CA5589893.

ClinVar aggregate classification (germline): Pathogenic/Likely pathogenic. Review status: criteria provided, multiple submitters, no conflicts (2 of 4 stars). 4 submissions from 4 submitters: Pathogenic (2); Likely pathogenic (1). 1 of the submissions does not count toward it. Last evaluated 2025-06-17.

Conditions:
Hyperekplexia 4. Identifiers: MedGen C4693933, MONDO:0044330, OMIM 618011.

Allele frequency attached by ClinVar (database versions not stated): ExAC 0.00001; gnomAD 0.00001; gnomAD exomes 0.00001 and 0.00002; TOPMed 0.00002.

Submissions (4):

GeneDx
Classification: Pathogenic. Last evaluated: 2025-06-17. Review status: criteria provided, single submitter. Criteria: GeneDx Variant Classification Process June 2021. Collection method: clinical testing. Allele origin: germline. Affected: yes.
Comment: Published functional studies demonstrate a damaging effect (PMID: 29390050); Frameshift variant predicted to result in the last 5 amino acids being replaced with 14 different amino acids, although loss-of-function variants have not been reported downstream of this position in the protein; Not observed at significant frequency in large population cohorts (gnomAD); This variant is associated with the following publications: (PMID: 28991257, 34426522, 33134516, 29390050, 32368696, 35550246)

Labcorp Genetics (formerly Invitae), Labcorp
Classification: Pathogenic. Last evaluated: 2024-12-28. Review status: criteria provided, single submitter. Criteria: Invitae Variant Classification Sherloc (09022015). Collection method: clinical testing. Allele origin: germline.
Comment: This sequence change results in a frameshift in the ATAD1 gene (p.His357Argfs*15). While this is not anticipated to result in nonsense mediated decay, it is expected to disrupt the last 5 amino acid(s) of the ATAD1 protein and extend the protein by 9 additional amino acid residues. This variant is present in population databases (rs751499706, gnomAD 0.004%). This frameshift has been observed in individuals with clinical features of ATAD1-related conditions (PMID: 29390050, 33134516). It has also been observed to segregate with disease in related individuals. ClinVar contains an entry for this variant (Variation ID: 545496). Algorithms developed to predict the effect of variants on gene product structure and function are not available or were not evaluated for this variant. Experimental studies have shown that this frameshift affects ATAD1 function (PMID: 29390050). Algorithms developed to predict the effect of sequence changes on RNA splicing suggest that this variant may create or strengthen a splice site. For these reasons, this variant has been classified as Pathogenic.

Fulgent Genetics
Classification: Likely pathogenic for Hyperekplexia 4. Last evaluated: 2023-12-29. Review status: criteria provided, single submitter. Criteria: ACMG Guidelines, 2015. Collection method: clinical testing. Allele origin: germline.

OMIM
Classification: Pathogenic for HYPEREKPLEXIA 4. Last evaluated: 2018-06-08. Review status: no assertion criteria provided. Collection method: literature only. Allele origin: germline. Not counted in ClinVar's aggregate classification.

Literature cited by the submitters: PubMed 29390050 (cited by Labcorp Genetics (formerly Invitae), Labcorp and OMIM); PubMed 33134516 (cited by Labcorp Genetics (formerly Invitae), Labcorp).